The following is an entry in ClinVar:

ClinVar aggregate classification (germline): Uncertain significance. Review status: criteria provided, multiple submitters, no conflicts (2 of 4 stars). 4 submissions from 4 submitters: Uncertain significance (4). Last evaluated 2026-01-06.

Conditions:
Hereditary cancer-predisposing syndrome. Also called: Neoplastic Syndromes, Hereditary; Hereditary Cancer Syndrome; Hereditary neoplastic syndrome; Tumor predisposition. Identifiers: Orphanet 140162, MedGen C0027672, MeSH D009386, MONDO:0015356.
Ataxia-telangiectasia syndrome (AT). Also called: LOUIS-BAR SYNDROME; Ataxia-telangiectasia, complementation group E; Ataxia-telangiectasia, complementation group D; AT, COMPLEMENTATION GROUP C; Ataxia telangiectasia (A-T); Cerebello-oculocutaneous telangiectasia. Identifiers: Orphanet 100, MedGen C0004135, MONDO:0008840, OMIM 208900.

Allele frequency attached by ClinVar (database versions not stated): gnomAD exomes below 0.00001; ExAC 0.00001.
gnomAD v4.1: 1 of 1,613,902 alleles (0.000062%); highest among the groups gnomAD compares: South Asian, 0.0011%; no homozygotes.

Submissions (4):

Labcorp Genetics (formerly Invitae), Labcorp
Classification: Uncertain significance for Ataxia-telangiectasia syndrome. Last evaluated: 2026-01-06. Review status: criteria provided, single submitter. Criteria: Invitae Variant Classification Sherloc (09022015). Collection method: clinical testing. Allele origin: germline.
Comment: This sequence change replaces tyrosine, which is neutral and polar, with cysteine, which is neutral and slightly polar, at codon 332 of the ATM protein (p.Tyr332Cys). This variant is present in population databases (no rsID available, gnomAD 0.003%). This missense change has been observed in individual(s) with breast, ovarian, or prostate cancer (PMID: 24549055, 29659569, 33646313, 37436117). ClinVar contains an entry for this variant (Variation ID: 644228). Invitae Evidence Modeling of protein sequence and biophysical properties (such as structural, functional, and spatial information, amino acid conservation, physicochemical variation, residue mobility, and thermodynamic stability) has been performed for this missense variant. However, the output from this modeling did not meet the statistical confidence thresholds required to predict the impact of this variant on ATM protein function. In summary, the available evidence is currently insufficient to determine the role of this variant in disease. Therefore, it has been classified as a Variant of Uncertain Significance.

Ambry Genetics
Classification: Uncertain significance for Hereditary cancer-predisposing syndrome. Last evaluated: 2024-09-10. Review status: criteria provided, single submitter. Criteria: Ambry Variant Classification Scheme 2023. Collection method: clinical testing. Allele origin: germline.
Comment: The p.Y332C variant (also known as c.995A>G), located in coding exon 7 of the ATM gene, results from an A to G substitution at nucleotide position 995. The tyrosine at codon 332 is replaced by cysteine, an amino acid with highly dissimilar properties. This variant was reported in 1/5560 prostate cancer cases and in 0/3353 controls of European ancestry (Karlsson Q et al. Eur Urol Oncol, 2021 Aug;4:570-579) and in 1/121 prostate cancer cases and 0/710 controls in another study (Paulo P et al. PLoS Genet, 2018 04;14:e1007355). This amino acid position is highly conserved in available vertebrate species. In addition, the in silico prediction for this alteration is inconclusive. Based on the available evidence, the clinical significance of this variant remains unclear.

Women's Health and Genetics/Laboratory Corporation of America, LabCorp
Classification: Uncertain significance. Last evaluated: 2024-04-01. Review status: criteria provided, single submitter. Criteria: LabCorp Variant Classification Summary - May 2015. Collection method: clinical testing. Allele origin: germline.
Comment: Variant summary: ATM c.995A>G (p.Tyr332Cys) results in a non-conservative amino acid change in the encoded protein sequence. Four of five in-silico tools predict a damaging effect of the variant on protein function. The variant allele was found at a frequency of 4e-06 in 251176 control chromosomes (gnomAD). The available data on variant occurrences in the general population are insufficient to allow any conclusion about variant significance. c.995A>G has been reported in the literature in individuals affected with Breast Cancer or Prostate Cancer without strong evidence of causality (e.g. Castera_2014, Paulo_2018, George_2021, Karlsson_2021, Paulo_2023). These reports do not provide unequivocal conclusions about association of the variant with Breast Cancer. To our knowledge, no experimental evidence demonstrating an impact on protein function has been reported. The following publications have been ascertained in the context of this evaluation (PMID: 24549055, 29659569, 33646313, 33436325, 37436117). ClinVar contains an entry for this variant (Variation ID: 644228). Based on the evidence outlined above, the variant was classified as uncertain significance.

Quest Diagnostics Nichols Institute San Juan Capistrano
Classification: Uncertain significance. Last evaluated: 2023-12-19. Review status: criteria provided, single submitter. Criteria: Quest Diagnostics criteria. Collection method: clinical testing. Allele origin: unknown.

Literature cited by the submitters: PubMed 24549055 (cited by 4 submitters); PubMed 29659569 (cited by 4 submitters); PubMed 33646313 (cited by 4 submitters); PubMed 37436117 (cited by Labcorp Genetics (formerly Invitae), Labcorp and Women's Health and Genetics/Laboratory Corporation of America, LabCorp); PubMed 33436325 (cited by 3 submitters).

NM_000051.4(ATM):c.995A>G (p.Tyr332Cys)

Gene: ATM (ATM serine/threonine kinase; plus strand). Cytogenetic location: 11q22.3.
Variant type: single nucleotide variant.
Coding change: c.995A>G on transcript NM_000051.4 (MANE Select); coding-DNA position 995, A replaced by G.
Protein change: p.Tyr332Cys; replaces tyrosine 332 with cysteine.
Molecular consequence: missense variant.
Genome position (GRCh38, 1-based): chr11:108,247,057, A>G. VCF-style: chr11-108247057-A-G. GRCh37 (hg19) VCF-style: chr11-108117784-A-G.
Other names: c.995A>G, p.Tyr332Cys (NM_001351834.2); short protein forms Y332C.
Identifiers: ClinVar variation 644228 (VCV000644228.14), dbSNP rs1060501664, ClinGen allele CA6264716.